The following is an entry in ClinVar:

NM_173841.2(IL1RN):c.-83G>A

Gene: IL1RN (interleukin 1 receptor antagonist; plus strand). Cytogenetic location: 2q14.1.
Variant type: single nucleotide variant.
Coding change: c.-83G>A on transcript NM_173841.2; 83 bases upstream of the start codon, G replaced by A.
Genome position (GRCh38, 1-based): chr2:113,117,936, G>A. VCF-style: chr2-113117936-G-A. GRCh37 (hg19) VCF-style: chr2-113875513-G-A.
Other names: NC_000002.11:g.113875513G>A.
Identifiers: ClinVar variation 330818 (VCV000330818.8), dbSNP rs45526933, ClinGen allele CA10611834.

ClinVar aggregate classification (germline): Likely benign (1 of 4 stars; one submission).

Conditions:
Sterile multifocal osteomyelitis with periostitis and pustulosis. Also called: CHRONIC RECURRENT MULTIFOCAL OSTEOMYELITIS 2, WITH PERIOSTITIS AND PUSTULOSIS. Identifiers: Orphanet 210115, MedGen C2748507, MONDO:0013021, OMIM 612852.

Allele frequency attached by ClinVar (database versions not stated): gnomAD 0.00557 and 0.00580; 1000 Genomes Project 30x 0.00156; ESP Exome Variant Server 0.00767; 1000 Genomes Project 0.00160; TOPMed 0.00476.
gnomAD v4.1: 6,091 of 853,512 alleles (0.71%); highest among the groups gnomAD compares: Non-Finnish European, 1%; 43 homozygotes.

Submissions (2):

Illumina Laboratory Services, Illumina
Classification: Likely benign for Sterile multifocal osteomyelitis with periostitis and pustulosis. Last evaluated: 2018-01-12. Review status: criteria provided, single submitter. Criteria: ICSL Variant Classification Criteria 13 December 2019. Collection method: clinical testing. Allele origin: germline.
Comment: This variant was observed in the ICSL laboratory as part of a predisposition screen in an ostensibly healthy population. It had not been previously curated by ICSL or reported in the Human Gene Mutation Database (HGMD: prior to June 1st, 2018), and was therefore a candidate for classification through an automated scoring system. Utilizing variant allele frequency, disease prevalence and penetrance estimates, and inheritance mode, an automated score was calculated to assess if this variant is too frequent to cause the disease. Based on the score and internal cut-off values, a variant classified as likely benign is not then subjected to further curation. The score for this variant resulted in a classification of likely benign for this disease.

Dr. Peter K. Rogan Lab, Western University
No classification provided (evidence only). Condition: Gastric cancer. Review status: no classification provided. Collection method: in vitro. Allele origin: not applicable. Functional consequence: retained intron. Not counted in ClinVar's aggregate classification.